The following is an entry in ClinVar:

NM_001394372.1(BICRA):c.22T>C (p.Cys8Arg)

Gene: BICRA (BRD4 interacting chromatin remodeling complex associated protein; plus strand). Cytogenetic location: 19q13.33.
Variant type: single nucleotide variant.
Coding change: c.22T>C on transcript NM_001394372.1 (MANE Select); coding-DNA position 22, T replaced by C.
Protein change: p.Cys8Arg; replaces cysteine 8 with arginine.
Molecular consequence: missense variant.
Genome position (GRCh38, 1-based): chr19:47,673,596, T>C. VCF-style: chr19-47673596-T-C. GRCh37 (hg19) VCF-style: chr19-48176853-T-C.
Other names: c.22T>C, p.Cys8Arg (NM_015711.3); short protein forms C8R.
Identifiers: ClinVar variation 5009230 (VCV005009230.1).

ClinVar aggregate classification (germline): Uncertain significance (1 of 4 stars; one submission).

Submission:

GeneDx
Classification: Uncertain significance. Last evaluated: 2026-03-18. Review status: criteria provided, single submitter. Criteria: GeneDx Variant Classification Process June 2021. Collection method: clinical testing. Allele origin: germline.
Comment: Not observed at significant frequency in large population cohorts (gnomAD); In silico analysis supports that this missense variant has a deleterious effect on protein structure/function; Has not been previously published as pathogenic or benign to our knowledge